The following is an entry in ClinVar:

NM_000492.4(CFTR):c.861_865del (p.Asn287fs)

Gene: CFTR (CF transmembrane conductance regulator; plus strand). Cytogenetic location: 7q31.2.
Variant type: Deletion.
Coding change: c.861_865del on transcript NM_000492.4 (MANE Select); coding-DNA positions 861 to 865, 5 bases deleted (CTTAA; older notation c.861_865delCTTAA).
Protein change: p.Asn287fs; shifts the reading frame from asparagine 287.
Molecular consequence: frameshift variant.
Genome position (GRCh38, 1-based): chr7:117,536,665-117,536,669, CTTAA deleted; deleting any 5 consecutive bases within chr7:117,536,663-117,536,669 gives the same sequence; the c. name uses the placement nearest the transcript's 3' end. VCF-style (leftmost placement, unchanged base first): chr7-117536662-AAACTT-A. GRCh37 (hg19) VCF-style: chr7-117176716-AAACTT-A.
Other names: 991del5; c.859_863delAACTT (NM_000492.3); c.861_865del (NM_000492.3); short protein forms N287fs.
Identifiers: ClinVar variation 54072 (VCV000054072.18), dbSNP rs397508805, ClinGen allele CA327672.
Genomic context (GRCh38, chr7:117,536,662, plus strand): 5'-TGAAAATATCCAATCTGTTAAGGCATACTGCTGGGAAGAAGCAATGGAAAAAATGATTGA[AAACTT>A]AAGACAGTAAGTTGTTCCAATAATTTCAATATTGTTAGTAATTCTGTCCTTAATTTTTTA-3'

ClinVar aggregate classification (germline): Pathogenic. Review status: reviewed by expert panel (3 of 4 stars). 9 submissions from 9 submitters: Pathogenic (1). 8 of the submissions do not count toward it. Last evaluated 2017-03-17.

Conditions:
CFTR-related disorder (CFTR-RD). Also called: CFTR-related condition; CFTR-related disorders. Identifiers: MedGen C5924204, MONDO:7770004.
Bronchiectasis with or without elevated sweat chloride 1 (BESC1). Also called: Cystic Fibrosis-Like Syndrome. Identifiers: Orphanet 60033, MedGen C2749757, MONDO:0008887, OMIM 211400.
Cystic fibrosis (CF). Also called: MUCOVISCIDOSIS. Identifiers: Orphanet 586, MedGen C0010674, MONDO:0009061, OMIM 219700. Disease mechanism: loss of function.

Submissions (9):

CFTR2
Classification: Pathogenic for Cystic fibrosis. Last evaluated: 2017-03-17. Review status: reviewed by expert panel. Criteria: Sosnay PR et al. (Nat Genet 2013). Collection method: research. Allele origin: germline. Affected: yes. Study: CFTR2.

Natera, Inc.
Classification: Pathogenic for CFTR-related disorders. Last evaluated: 2025-06-17. Review status: criteria provided, single submitter. Criteria: Natera Variant Classification Schema (03/2026). Collection method: clinical testing. Allele origin: germline. Not counted in ClinVar's aggregate classification.
Comment: The c.861_865delCTTAA variant in CFTR is a frameshift variant predicted to shift the reading frame beginning at codon 287 and leads to a stop codon 19 codons downstream. This variant is expected to result in nonsense mediated decay, truncation, or a dysfunctional protein product. This variant is rare in the general population with a frequency below the threshold expected for the associated phenotype(s). This variant has been observed in one or more individuals affected with the associated recessive disease, as either homozygous or compound heterozygous with a second variant (PMID: 23613805, 25304080). Given the available evidence, this variant is classified as Pathogenic.

Labcorp Genetics (formerly Invitae), Labcorp
Classification: Pathogenic for Cystic fibrosis. Last evaluated: 2023-10-22. Review status: criteria provided, single submitter. Criteria: Invitae Variant Classification Sherloc (09022015). Collection method: clinical testing. Allele origin: germline. Not counted in ClinVar's aggregate classification.
Comment: This sequence change creates a premature translational stop signal (p.Asn287Lysfs*19) in the CFTR gene. It is expected to result in an absent or disrupted protein product. Loss-of-function variants in CFTR are known to be pathogenic (PMID: 1695717, 7691345, 9725922). This variant is present in population databases (rs397508805, gnomAD 0.0009%). This premature translational stop signal has been observed in individual(s) with cystic fibrosis (PMID: 22981294). This variant is also known as 991del5. ClinVar contains an entry for this variant (Variation ID: 54072). For these reasons, this variant has been classified as Pathogenic.

Baylor Genetics
Classification: Pathogenic for Bronchiectasis with or without elevated sweat chloride 1. Last evaluated: 2023-05-12. Review status: criteria provided, single submitter. Criteria: ACMG Guidelines, 2015. Collection method: clinical testing. Allele origin: unknown. Not counted in ClinVar's aggregate classification.

Mendelics
Classification: Pathogenic for Cystic fibrosis. Last evaluated: 2018-11-05. Review status: criteria provided, single submitter. Criteria: Mendelics Assertion Criteria 2017. Collection method: clinical testing. Allele origin: unknown. Affected: yes. Not counted in ClinVar's aggregate classification.

Women's Health and Genetics/Laboratory Corporation of America, LabCorp
Classification: Pathogenic. Last evaluated: 2018-06-08. Review status: criteria provided, single submitter. Criteria: LabCorp Variant Classification Summary - May 2015. Collection method: clinical testing. Allele origin: germline. Not counted in ClinVar's aggregate classification.
Comment: Variant summary: CFTR c.861_865delCTTAA (p.Asn287LysfsX19) results in a premature termination codon, predicted to cause a truncation of the encoded protein or absence of the protein due to nonsense mediated decay, which are commonly known mechanisms for disease. Truncations downstream of this position have been classified as pathogenic by our laboratory (e.g., p.Phe316fsX12 and p.Phe342fsX28). The variant allele was found at a frequency of 4.1e-06 in 245948 control chromosomes. c.861_865delCTTAA has been reported in the literature in numerous individuals affected with Cystic Fibrosis. These data indicate that the variant is likely to be associated with disease. To our knowledge, no experimental evidence demonstrating an impact on protein function has been reported. Two clinical diagnostic laboratories have submitted clinical-significance assessments for this variant to ClinVar after 2014 and both classified the variant as pathogenic. Based on the evidence outlined above, the variant was classified as pathogenic.

CFTR-France
Classification: Pathogenic for cystic fibrosis. Last evaluated: 2018-01-29. Review status: criteria provided, single submitter. Criteria: Claustres M et al. (Hum Mutat 2017). Collection method: curation. Allele origin: germline. Affected: yes. Not counted in ClinVar's aggregate classification.

Ambry Genetics
Classification: Pathogenic for Cystic fibrosis. Last evaluated: 2015-08-26. Review status: criteria provided, single submitter. Criteria: Ambry Variant Classification Scheme 2023. Collection method: clinical testing. Allele origin: germline. Not counted in ClinVar's aggregate classification.
Comment: The c.861_865del pathogenic mutation, located in coding exon 7 of the CFTR gene, results from a deletion of 5 nucleotides between nucleotide positions 861 and 865, causing a translational frameshift with a predicted alternate stop codon (p.N287Kfs*19). Since frameshifts are typically deleterious in nature, this alteration is interpreted as a disease-causing mutation (ACMG Recommendations for Standards for Interpretation and Reporting of Sequence Variations. Revision 2007. Genet Med. 2008;10:294).

Counsyl
Classification: Pathogenic for Cystic fibrosis. Last evaluated: 2016-01-14. Review status: no assertion criteria provided. Collection method: clinical testing. Allele origin: unknown. Not counted in ClinVar's aggregate classification.

Literature cited by the submitters: PubMed 23613805 (cited by Natera, Inc.); PubMed 25304080 (cited by Natera, Inc. and Women's Health and Genetics/Laboratory Corporation of America, LabCorp); PubMed 1695717 (cited by Labcorp Genetics (formerly Invitae), Labcorp); PubMed 7691345 (cited by Labcorp Genetics (formerly Invitae), Labcorp); PubMed 9725922 (cited by Labcorp Genetics (formerly Invitae), Labcorp); PubMed 22981294 (cited by Labcorp Genetics (formerly Invitae), Labcorp and Women's Health and Genetics/Laboratory Corporation of America, LabCorp); PubMed 22439019 (cited by Women's Health and Genetics/Laboratory Corporation of America, LabCorp); PubMed 20657600 (cited by Women's Health and Genetics/Laboratory Corporation of America, LabCorp); PubMed 10923036 (cited by Women's Health and Genetics/Laboratory Corporation of America, LabCorp); PubMed 25910067 (cited by Women's Health and Genetics/Laboratory Corporation of America, LabCorp); PubMed 21429822 (cited by Women's Health and Genetics/Laboratory Corporation of America, LabCorp); PubMed 15698945 (cited by Women's Health and Genetics/Laboratory Corporation of America, LabCorp); PubMed 21796730 (cited by Women's Health and Genetics/Laboratory Corporation of America, LabCorp).